The following is an entry in ClinVar:

ClinVar aggregate classification (germline): Conflicting classifications of pathogenicity. Review status: criteria provided, conflicting classifications (1 of 4 stars). 4 submissions from 4 submitters: Uncertain significance (2); Likely benign (1). 1 of the submissions does not count toward it. Last evaluated 2025-12-18.

Conditions:
NOTCH2-related disorder. Also called: NOTCH2-related condition.
Inborn genetic diseases. Identifiers: MedGen C0950123, MeSH D030342.
Hajdu-Cheney syndrome (HJCYS). Also called: SERPENTINE FIBULA-POLYCYSTIC KIDNEY SYNDROME; ACROOSTEOLYSIS WITH OSTEOPOROSIS AND CHANGES IN SKULL AND MANDIBLE; Acroosteolysis dominant type. Identifiers: Orphanet 955, MedGen C0917715, MONDO:0007057, OMIM 102500.

Allele frequency attached by ClinVar (database versions not stated): gnomAD exomes 0.00002 and 0.00010; gnomAD 0.00003; TOPMed 0.00004; ExAC 0.00010.
gnomAD v4.1: 34 of 1,613,976 alleles (0.0021%); highest among the groups gnomAD compares: Admixed American, 0.05%; no homozygotes.

Submissions (4):

Labcorp Genetics (formerly Invitae), Labcorp
Classification: Likely benign for Hajdu-Cheney syndrome. Last evaluated: 2025-12-18. Review status: criteria provided, single submitter. Criteria: Invitae Variant Classification Sherloc (09022015). Collection method: clinical testing. Allele origin: germline.

Mayo Clinic Laboratories, Mayo Clinic
Classification: Uncertain significance. Last evaluated: 2025-04-24. Review status: criteria provided, single submitter. Criteria: ACMG Guidelines, 2015. Collection method: clinical testing. Allele origin: germline. Observed: 1 variant allele.
Comment: PP2

Ambry Genetics
Classification: Uncertain significance for Inborn genetic diseases. Last evaluated: 2022-10-04. Review status: criteria provided, single submitter. Criteria: Ambry Variant Classification Scheme 2023. Collection method: clinical testing. Allele origin: germline.

PreventionGenetics, part of Exact Sciences
Classification: Likely benign for NOTCH2-related condition. Last evaluated: 2024-02-01. Review status: no assertion criteria provided. Collection method: clinical testing. Allele origin: germline. Not counted in ClinVar's aggregate classification.
Comment: This variant is classified as likely benign based on ACMG/AMP sequence variant interpretation guidelines (Richards et al. 2015 PMID: 25741868, with internal and published modifications).

NM_024408.4(NOTCH2):c.3109G>A (p.Glu1037Lys)

Gene: NOTCH2 (notch receptor 2; minus strand). Cytogenetic location: 1p12.
Variant type: single nucleotide variant.
Coding change: c.3109G>A on transcript NM_024408.4 (MANE Select); coding-DNA position 3109, G replaced by A.
Protein change: p.Glu1037Lys; replaces glutamic acid 1037 with lysine.
Molecular consequence: missense variant.
Genome position (GRCh38, 1-based): chr1:119,940,629, C>T on the plus strand (G>A on the coding strand, the complement: NOTCH2 is on the minus strand). VCF-style: chr1-119940629-C-T. GRCh37 (hg19) VCF-style: chr1-120483252-C-T.
Other names: p.Glu1037Lys; c.3109G>A, p.Glu1037Lys (NM_001200001.2); c.3109G>A (NM_024408.3); short protein forms E1037K.
Identifiers: ClinVar variation 1159787 (VCV001159787.14), dbSNP rs782463588, ClinGen allele CA1040143.
Genomic context (GRCh38, chr1:119,940,629, plus strand): 5'-CAGTGTAGCCCAGGGGGCAGCTGCAGCGGTAGGTACCCAGGCCATCAACACACGTTCCCT[C>T]ATTCAGGCATGGATGAGAGCTGCATTCATTGATCTCATGGAGGCAGAAGGATCCAGTGAA-3'
Protein context (NP_077719.2, residues 1027-1047): NECSSHPCLN[Glu1037Lys]GTCVDGLGTY